The following is an entry in ClinVar:

NM_004168.4(SDHA):c.730A>G (p.Ile244Val)

Gene: SDHA (succinate dehydrogenase complex flavoprotein subunit A; plus strand). Cytogenetic location: 5p15.33.
Variant type: single nucleotide variant.
Coding change: c.730A>G on transcript NM_004168.4 (MANE Select); coding-DNA position 730, A replaced by G.
Protein change: p.Ile244Val; replaces isoleucine 244 with valine.
Molecular consequence: missense variant.
Genome position (GRCh38, 1-based): chr5:228,293, A>G. VCF-style: chr5-228293-A-G. GRCh37 (hg19) VCF-style: chr5-228408-A-G.
Other names: c.586A>G, p.Ile196Val (NM_001294332.2); c.730A>G, p.Ile244Val (NM_001330758.2); short protein forms I196V, I244V.
Identifiers: ClinVar variation 661508 (VCV000661508.14), dbSNP rs1162393515, ClinGen allele CA359011102.
Genomic context (GRCh38, chr5:228,293, plus strand): 5'-CTCCTGATGGAGAATGGGGAGTGCCGTGGTGTCATCGCACTGTGCATAGAGGACGGGTCC[A>G]TCCATCGCATAAGAGCAAAGAACACTGTTGTTGCCACAGGGTAGGAATCTCATTTCTACT-3'
Protein context (NP_004159.2, residues 234-254): VIALCIEDGS[Ile244Val]HRIRAKNTVV

ClinVar aggregate classification (germline): Uncertain significance. Review status: criteria provided, multiple submitters, no conflicts (2 of 4 stars). 2 submissions from 2 submitters: Uncertain significance (2). Last evaluated 2025-12-01.

Conditions:
Pheochromocytoma/paraganglioma syndrome 5. Also called: Paragangliomas 5; SDHA-Related Hereditary Paraganglioma-Pheochromocytoma Syndrome. Identifiers: Orphanet 29072, MedGen C3279992, MONDO:0013602, OMIM 614165.
Mitochondrial complex II deficiency, nuclear type 1. Also called: SUCCINATE CoQ REDUCTASE DEFICIENCY. Identifiers: Orphanet 3208, MedGen C5700310, MONDO:0100294, OMIM 252011.
Hereditary cancer-predisposing syndrome. Also called: Tumor predisposition; Neoplastic Syndromes, Hereditary; Hereditary Cancer Syndrome; Hereditary neoplastic syndrome. Identifiers: Orphanet 140162, MedGen C0027672, MeSH D009386, MONDO:0015356.

Allele frequency attached by ClinVar (database versions not stated): gnomAD exomes below 0.00001; gnomAD 0.00001.
gnomAD v4.1: 2 of 1,613,884 alleles (0.00012%); highest among the groups gnomAD compares: Middle Eastern, 0.016%; no homozygotes.

Submissions (2):

Labcorp Genetics (formerly Invitae), Labcorp
Classification: Uncertain significance for Pheochromocytoma/paraganglioma syndrome 5; Mitochondrial complex II deficiency, nuclear type 1. Last evaluated: 2025-12-01. Review status: criteria provided, single submitter. Criteria: Invitae Variant Classification Sherloc (09022015). Collection method: clinical testing. Allele origin: germline.
Comment: This sequence change replaces isoleucine, which is neutral and non-polar, with valine, which is neutral and non-polar, at codon 244 of the SDHA protein (p.Ile244Val). This variant is present in population databases (no rsID available, gnomAD 0.007%). This variant has not been reported in the literature in individuals affected with SDHA-related conditions. ClinVar contains an entry for this variant (Variation ID: 661508). Invitae Evidence Modeling of protein sequence and biophysical properties (such as structural, functional, and spatial information, amino acid conservation, physicochemical variation, residue mobility, and thermodynamic stability) indicates that this missense variant is not expected to disrupt SDHA protein function with a negative predictive value of 95%. In summary, the available evidence is currently insufficient to determine the role of this variant in disease. Therefore, it has been classified as a Variant of Uncertain Significance.

Ambry Genetics
Classification: Uncertain significance for Hereditary cancer-predisposing syndrome. Last evaluated: 2025-04-29. Review status: criteria provided, single submitter. Criteria: Ambry Variant Classification Scheme 2023. Collection method: clinical testing. Allele origin: germline.
Comment: The p.I244V variant (also known as c.730A>G), located in coding exon 6 of the SDHA gene, results from an A to G substitution at nucleotide position 730. The isoleucine at codon 244 is replaced by valine, an amino acid with highly similar properties. This amino acid position is highly conserved in available vertebrate species. In addition, the in silico prediction for this alteration is inconclusive. Based on the available evidence, the clinical significance of this variant remains unclear.